The following is an entry in ClinVar:

ClinVar aggregate classification (germline): Likely pathogenic. Review status: criteria provided, multiple submitters, no conflicts (2 of 4 stars). 6 submissions from 6 submitters: Likely pathogenic (5). 1 of the submissions does not count toward it. Last evaluated 2025-04-22.

Conditions:
NAGLU-related disorder. Also called: NAGLU-related condition.
Mucopolysaccharidosis, MPS-III-B (MPS3B). Also called: N-ACETYL-ALPHA-D-GLUCOSAMINIDASE DEFICIENCY; NAGLU DEFICIENCY; SANFILIPPO SYNDROME B; MPS IIIB (Sanfilippo Syndrome Type B); MPS III B; MUCOPOLYSACCHARIDOSIS, TYPE IIIB. Identifiers: Orphanet 79270, MedGen C0086648, MONDO:0009656, OMIM 252920.
Charcot-Marie-Tooth disease axonal type 2V. Also called: CHARCOT-MARIE-TOOTH NEUROPATHY, TYPE 2V; CHARCOT-MARIE-TOOTH DISEASE, AXONAL, AUTOSOMAL DOMINANT, TYPE 2V. Identifiers: Orphanet 447964, MedGen C5569050, MONDO:0014665, OMIM 616491.

Allele frequency attached by ClinVar (database versions not stated): TOPMed 0.00001; ESP Exome Variant Server 0.00008.

Submissions (6):

Natera, Inc.
Classification: Likely pathogenic for Mucopolysaccharidosis type IIIB. Last evaluated: 2025-04-22. Review status: criteria provided, single submitter. Criteria: Natera Variant Classification Schema (03/2026). Collection method: clinical testing. Allele origin: germline.
Comment: The c.1744G>C variant in NAGLU is a missense variant predicted to cause substitution of alanine to proline at amino acid 582. This variant is rare in the general population with a frequency below the threshold expected for the associated phenotype(s). This variant has been observed in one or more individuals affected with the associated recessive disease, as either homozygous or compound heterozygous with a second variant (PMID: 21204211, 22976768). Functional studies show that this variant may disrupt protein function (PMID: 29979746). Computational prediction algorithms indicate this variant is likely to affect gene or protein function. Given the available evidence, this variant is classified as Likely Pathogenic.

Revvity Omics, Revvity
Classification: Likely pathogenic. Last evaluated: 2024-09-02. Review status: criteria provided, single submitter. Criteria: ACMG Guidelines, 2015. Collection method: clinical testing. Allele origin: germline.

Fulgent Genetics
Classification: Likely pathogenic for Mucopolysaccharidosis, MPS-III-B; Charcot-Marie-Tooth disease axonal type 2V. Last evaluated: 2024-02-22. Review status: criteria provided, single submitter. Criteria: ACMG Guidelines, 2015. Collection method: clinical testing. Allele origin: germline.

Labcorp Genetics (formerly Invitae), Labcorp
Classification: Likely pathogenic for Charcot-Marie-Tooth disease axonal type 2V; Mucopolysaccharidosis, MPS-III-B. Last evaluated: 2024-02-02. Review status: criteria provided, single submitter. Criteria: Invitae Variant Classification Sherloc (09022015). Collection method: clinical testing. Allele origin: germline.
Comment: This sequence change replaces alanine, which is neutral and non-polar, with proline, which is neutral and non-polar, at codon 582 of the NAGLU protein (p.Ala582Pro). This variant is present in population databases (rs144238669, gnomAD 0.002%). This missense change has been observed in individuals with mucopolysaccharidosis type III (PMID: 21204211, 22976768). ClinVar contains an entry for this variant (Variation ID: 288019). Advanced modeling of protein sequence and biophysical properties (such as structural, functional, and spatial information, amino acid conservation, physicochemical variation, residue mobility, and thermodynamic stability) performed at Invitae indicates that this missense variant is expected to disrupt NAGLU protein function with a positive predictive value of 95%. Experimental studies have shown that this missense change affects NAGLU function (PMID: 29979746). In summary, the currently available evidence indicates that the variant is pathogenic, but additional data are needed to prove that conclusively. Therefore, this variant has been classified as Likely Pathogenic.

Blueprint Genetics
Classification: Likely pathogenic for NAGLU-related disorders. Last evaluated: 2022-09-12. Review status: criteria provided, single submitter. Criteria: ACMG Guidelines, 2015. Collection method: clinical testing. Allele origin: germline. Affected: yes. Observed: 1 variant allele.

Eurofins Ntd Llc (ga)
Classification: Uncertain significance. Last evaluated: 2016-05-10. Review status: flagged submission. Criteria: EGL Classification Definitions 2015. Collection method: clinical testing. Allele origin: germline. Not counted in ClinVar's aggregate classification.
ClinVar note: Reason: Older and outlier claim with insufficient supporting evidence

Literature cited by the submitters: PubMed 21204211 (cited by Natera, Inc. and Labcorp Genetics (formerly Invitae), Labcorp); PubMed 22976768 (cited by Natera, Inc. and Labcorp Genetics (formerly Invitae), Labcorp); PubMed 29979746 (cited by Natera, Inc. and Labcorp Genetics (formerly Invitae), Labcorp).

NM_000263.4(NAGLU):c.1744G>C (p.Ala582Pro)

Gene: NAGLU (N-acetyl-alpha-glucosaminidase; plus strand). Cytogenetic location: 17q21.2.
Variant type: single nucleotide variant.
Coding change: c.1744G>C on transcript NM_000263.4 (MANE Select); coding-DNA position 1744, G replaced by C.
Protein change: p.Ala582Pro; replaces alanine 582 with proline.
Molecular consequence: missense variant.
Genome position (GRCh38, 1-based): chr17:42,543,750, G>C. VCF-style: chr17-42543750-G-C. GRCh37 (hg19) VCF-style: chr17-40695768-G-C.
Other names: c.1744G>C (NM_000263.3); short protein forms A582P.
Identifiers: ClinVar variation 288019 (VCV000288019.13), dbSNP rs144238669, ClinGen allele CA8577085.